The following is an entry in ClinVar:

NM_014991.6(WDFY3):c.3403C>T (p.His1135Tyr)

Gene: WDFY3 (WD repeat and FYVE domain containing 3; minus strand). Cytogenetic location: 4q21.23.
Variant type: single nucleotide variant.
Coding change: c.3403C>T on transcript NM_014991.6 (MANE Select); coding-DNA position 3403, C replaced by T.
Protein change: p.His1135Tyr; replaces histidine 1135 with tyrosine.
Molecular consequence: missense variant.
Genome position (GRCh38, 1-based): chr4:84,794,603, G>A on the plus strand (C>T on the coding strand, the complement: WDFY3 is on the minus strand). VCF-style: chr4-84794603-G-A. GRCh37 (hg19) VCF-style: chr4-85715756-G-A.
Other names: short protein forms H1135Y.
Identifiers: ClinVar variation 3255091 (VCV003255091.1), dbSNP rs2533709504.

ClinVar aggregate classification (germline): Likely pathogenic (1 of 4 stars; one submission).

Conditions:
Neurodevelopmental disorder. Identifiers: MedGen C1535926, MeSH D065886, MONDO:0700092.

Allele frequency attached by ClinVar (database versions not stated): gnomAD exomes below 0.00001.
gnomAD v4.1: 1 of 1,614,146 alleles (0.000062%); highest among the groups gnomAD compares: Non-Finnish European, 0.000085%; no homozygotes.

Submission:

Victorian Clinical Genetics Services, Murdoch Childrens Research Institute
Classification: Likely pathogenic for Neurodevelopmental disorder. Last evaluated: 2023-12-21. Review status: criteria provided, single submitter. Criteria: ACMG Guidelines, 2015. Collection method: clinical testing. Allele origin: germline. Inheritance: Autosomal dominant inheritance. Affected: yes.
Comment: Based on the classification scheme VCGS_Germline_v1.3.4, this variant is classified as Likely pathogenic. Following criteria are met: 0102 - Loss of function is a known mechanism of disease in this gene and is associated with neurodevelopmental disorder (MONDO:0700092), WDFY3-related. A macrocephaly phenotype is known to be caused by loss of function variants, while microcephaly 18, primary (MIM#617520) is likely due to gain of function and increased wnt signalling (PMID: 31327001, 27008544). (I) 0107 - This gene is associated with autosomal dominant disease. (I) 0200 - Variant is predicted to result in a missense amino acid change from histidine to tyrosine. (I) 0254 - This variant is suspected mosaic. (I) 0301 - Variant is absent from gnomAD (both v2 and v3). (SP) 0502 - Missense variant with conflicting in silico predictions and uninformative conservation. (I) 0604 - Variant is not located in an established domain, motif, hotspot or informative constraint region. (I) 0705 - No comparable missense variants have previous evidence for pathogenicity. (I) 0807 - This variant has no previous evidence of pathogenicity. (I) 0905 - No published segregation evidence has been identified for this variant. (I) 1007 - No published functional evidence has been identified for this variant. (SP) Legend: (SP) - Supporting pathogenic, (I) - Information, (SB) - Supporting benign

Literature cited by the submitters: PubMed 27008544; PubMed 31327001.